The following is an entry in ClinVar:

ClinVar aggregate classification (germline): Uncertain significance (1 of 4 stars; one submission).

Conditions:
Desmin-related myofibrillar myopathy (MFM1). Also called: Desminopathy; Desmin related myopathy (former name); Desmin storage myopathy (former name); Myofibrillar myopathy 1; MYOFIBRILLAR MYOPATHY WITH ARRHYTHMOGENIC RIGHT VENTRICULAR CARDIOMYOPATHY; DESMIN-RELATED MYOPATHY WITH ARRHYTHMOGENIC RIGHT VENTRICULAR CARDIOMYOPATHY. Identifiers: Orphanet 363543, Orphanet 98909, MedGen C1832370, MONDO:0011076, OMIM 601419.

gnomAD v4.1: 7 of 1,595,890 alleles (0.00044%); highest among the groups gnomAD compares: Middle Eastern, 0.017%; no homozygotes.

Submission:

Labcorp Genetics (formerly Invitae), Labcorp
Classification: Uncertain significance for Desmin-related myofibrillar myopathy. Last evaluated: 2025-08-05. Review status: criteria provided, single submitter. Criteria: Invitae Variant Classification Sherloc (09022015). Collection method: clinical testing. Allele origin: germline.
Comment: This sequence change replaces alanine, which is neutral and non-polar, with serine, which is neutral and polar, at codon 63 of the DES protein (p.Ala63Ser). This variant is not present in population databases (gnomAD no frequency). This variant has not been reported in the literature in individuals affected with DES-related conditions. Invitae Evidence Modeling of protein sequence and biophysical properties (such as structural, functional, and spatial information, amino acid conservation, physicochemical variation, residue mobility, and thermodynamic stability) indicates that this missense variant is not expected to disrupt DES protein function with a negative predictive value of 80%. In summary, the available evidence is currently insufficient to determine the role of this variant in disease. Therefore, it has been classified as a Variant of Uncertain Significance.

NM_001927.4(DES):c.187G>T (p.Ala63Ser)

Gene: DES (desmin; plus strand). Cytogenetic location: 2q35.
Variant type: single nucleotide variant.
Coding change: c.187G>T on transcript NM_001927.4 (MANE Select); coding-DNA position 187, G replaced by T.
Protein change: p.Ala63Ser; replaces alanine 63 with serine.
Molecular consequence: missense variant.
Genome position (GRCh38, 1-based): chr2:219,418,649, G>T. VCF-style: chr2-219418649-G-T. GRCh37 (hg19) VCF-style: chr2-220283371-G-T.
Other names: c.187G>T, p.Ala63Ser (NM_001382708.1, NM_001382709.1, NM_001382710.1 and 3 more transcripts); short protein forms A63S.
Identifiers: ClinVar variation 4791167 (VCV004791167.1).